The following is an entry in ClinVar:

ClinVar aggregate classification (germline): Uncertain significance (1 of 4 stars; one submission).

Submission:

GeneDx
Classification: Uncertain significance. Last evaluated: 2026-03-18. Review status: criteria provided, single submitter. Criteria: GeneDx Variant Classification Process June 2021. Collection method: clinical testing. Allele origin: germline.
Comment: Reported in a patient from the Mowat-Wilson Syndrome Foundation; however, further clinical or familial segregation information was not provided (PMID: 38474085); In silico analysis is inconclusive as to whether the variant alters gene splicing. In the absence of RNA/functional studies, the actual effect of this sequence change is unknown; Not observed at significant frequency in large population cohorts (gnomAD); This variant is associated with the following publications: (PMID: 38474085)

NM_014795.4(ZEB2):c.331+1_331+2dup

Gene: ZEB2 (zinc finger E-box binding homeobox 2; minus strand). Cytogenetic location: 2q22.3.
Variant type: Duplication.
Coding change: c.331+1_331+2dup on transcript NM_014795.4 (MANE Select); the canonical splice donor site of the intron after coding-DNA position 331, 2 bases duplicated (GT; older notation c.331+1_331+2dupGT).
Molecular consequence: splice donor variant.
Genome position (GRCh38, 1-based): chr2:144,429,767-144,429,768, AC duplicated on the plus strand (GT on the coding strand, the reverse complement: ZEB2 is on the minus strand). VCF-style (leftmost placement, unchanged base first): chr2-144429766-T-TAC. GRCh37 (hg19) VCF-style: chr2-145187333-T-TAC.
Other names: c.331+1_331+2dup (NM_001171653.2).
Identifiers: ClinVar variation 4975201 (VCV004975201.1).